The following is an entry in ClinVar:

NM_025099.6(CTC1):c.244T>C (p.Cys82Arg)

Gene: CTC1 (CST telomere replication complex component 1; minus strand). Cytogenetic location: 17p13.1.
Variant type: single nucleotide variant.
Coding change: c.244T>C on transcript NM_025099.6 (MANE Select); coding-DNA position 244, T replaced by C.
Protein change: p.Cys82Arg; replaces cysteine 82 with arginine.
Molecular consequence: missense variant. On other transcripts: non-coding transcript variant (1).
Genome position (GRCh38, 1-based): chr17:8,238,583, A>G on the plus strand (T>C on the coding strand, the complement: CTC1 is on the minus strand). VCF-style: chr17-8238583-A-G. GRCh37 (hg19) VCF-style: chr17-8141901-A-G.
Other names: short protein forms C82R.
Identifiers: ClinVar variation 1385460 (VCV001385460.8), dbSNP rs1987946472, ClinGen allele CA397993820.

ClinVar aggregate classification (germline): Uncertain significance (1 of 4 stars; one submission).

Conditions:
Dyskeratosis congenita. Identifiers: Orphanet 1775, MedGen C0265965, MONDO:0015780.

gnomAD v4.1: 10 of 1,613,724 alleles (0.00062%); highest among the groups gnomAD compares: Non-Finnish European, 0.00085%; no homozygotes.

Submission:

Labcorp Genetics (formerly Invitae), Labcorp
Classification: Uncertain significance for Dyskeratosis congenita. Last evaluated: 2021-07-06. Review status: criteria provided, single submitter. Criteria: Invitae Variant Classification Sherloc (09022015). Collection method: clinical testing. Allele origin: germline.
Comment: This sequence change replaces cysteine with arginine at codon 82 of the CTC1 protein (p.Cys82Arg). The cysteine residue is highly conserved and there is a large physicochemical difference between cysteine and arginine. This variant is not present in population databases (ExAC no frequency). This variant has not been reported in the literature in individuals with CTC1-related conditions. Algorithms developed to predict the effect of missense changes on protein structure and function are either unavailable or do not agree on the potential impact of this missense change (SIFT: "Deleterious"; PolyPhen-2: "Probably Damaging"; Align-GVGD: "Class C0"). In summary, the available evidence is currently insufficient to determine the role of this variant in disease. Therefore, it has been classified as a Variant of Uncertain Significance.